The following is an entry in ClinVar:

ClinVar aggregate classification (germline): Uncertain significance (1 of 4 stars; one submission).

Conditions:
Idiopathic generalized epilepsy. Also called: Generalised epilepsy; EIG. Identifiers: MedGen C0270850, MONDO:0005579, OMIM 600669.

Allele frequency attached by ClinVar (database versions not stated): gnomAD 0.00003 and 0.00004; TOPMed 0.00005; ExAC 0.00007; 1000 Genomes Project 30x 0.00016; 1000 Genomes Project 0.00020.
gnomAD v4.1: 59 of 1,613,212 alleles (0.0037%); highest among the groups gnomAD compares: Non-Finnish European, 0.0043%; no homozygotes.

Submission:

Labcorp Genetics (formerly Invitae), Labcorp
Classification: Uncertain significance for Idiopathic generalized epilepsy. Last evaluated: 2024-09-30. Review status: criteria provided, single submitter. Criteria: Invitae Variant Classification Sherloc (09022015). Collection method: clinical testing. Allele origin: germline.
Comment: This sequence change replaces alanine, which is neutral and non-polar, with threonine, which is neutral and polar, at codon 340 of the RBFOX1 protein (p.Ala340Thr). This variant is present in population databases (rs199644500, gnomAD 0.009%). This variant has not been reported in the literature in individuals affected with RBFOX1-related conditions. ClinVar contains an entry for this variant (Variation ID: 940777). Invitae Evidence Modeling of protein sequence and biophysical properties (such as structural, functional, and spatial information, amino acid conservation, physicochemical variation, residue mobility, and thermodynamic stability) indicates that this missense variant is not expected to disrupt RBFOX1 protein function with a negative predictive value of 80%. In summary, the available evidence is currently insufficient to determine the role of this variant in disease. Therefore, it has been classified as a Variant of Uncertain Significance.

NM_018723.4(RBFOX1):c.955G>A (p.Ala319Thr)

Gene: RBFOX1 (RNA binding fox-1 homolog 1; plus strand). Cytogenetic location: 16p13.3.
Variant type: single nucleotide variant.
Coding change: c.955G>A on transcript NM_018723.4 (MANE Select); coding-DNA position 955, G replaced by A.
Protein change: p.Ala319Thr; replaces alanine 319 with threonine.
Molecular consequence: missense variant.
Genome position (GRCh38, 1-based): chr16:7,676,798, G>A. VCF-style: chr16-7676798-G-A. GRCh37 (hg19) VCF-style: chr16-7726800-G-A.
Other names: c.874G>A, p.Ala292Thr (NM_001142333.2); c.955G>A, p.Ala319Thr (NM_001142334.2, NM_001364800.2); c.1084G>A, p.Ala362Thr (NM_001308117.1); c.1018G>A, p.Ala340Thr (NM_145891.3, NM_145892.3, NM_145893.3); short protein forms A340T, A292T, A319T, A362T.
Identifiers: ClinVar variation 940777 (VCV000940777.8), dbSNP rs199644500, ClinGen allele CA7891848.